The following is an entry in ClinVar:

ClinVar aggregate classification (germline): Uncertain significance (1 of 4 stars; one submission).

Conditions:
NOTCH1-related disorder. Also called: NOTCH1-related disorders; NOTCH1-related condition.

Submission:

PreventionGenetics, part of Exact Sciences
Classification: Uncertain significance for NOTCH1-related condition. Last evaluated: 2023-06-08. Review status: criteria provided, single submitter. Criteria: ACMG Guidelines, 2015. Collection method: clinical testing. Allele origin: germline.
Comment: The NOTCH1 c.7232C>G variant is predicted to result in the amino acid substitution p.Pro2411Arg. To our knowledge, this variant has not been reported in the literature or in a large population database, indicating this variant is rare. At this time, the clinical significance of this variant is uncertain due to the absence of conclusive functional and genetic evidence.

NM_017617.5(NOTCH1):c.7232C>G (p.Pro2411Arg)

Gene: NOTCH1 (notch receptor 1; minus strand). Cytogenetic location: 9q34.3.
Variant type: single nucleotide variant.
Coding change: c.7232C>G on transcript NM_017617.5 (MANE Select); coding-DNA position 7232, C replaced by G.
Protein change: p.Pro2411Arg; replaces proline 2411 with arginine.
Molecular consequence: missense variant.
Genome position (GRCh38, 1-based): chr9:136,496,507, G>C on the plus strand (C>G on the coding strand, the complement: NOTCH1 is on the minus strand). VCF-style: chr9-136496507-G-C. GRCh37 (hg19) VCF-style: chr9-139390959-G-C.
Other names: short protein forms P2411R.
Identifiers: ClinVar variation 2632531 (VCV002632531.1), dbSNP rs1169641185, ClinGen allele CA375627589.